The following is an entry in ClinVar:

ClinVar aggregate classification (germline): Benign/Likely benign. Review status: criteria provided, multiple submitters, no conflicts (2 of 4 stars). 4 submissions from 4 submitters: Benign (2); Likely benign (2). Last evaluated 2026-05-09.

Conditions:
Decreased response to growth hormone stimulation test. Also called: Growth hormone deficiency. Identifiers: MedGen C5539399, HP:0000824.

Allele frequency attached by ClinVar (database versions not stated): gnomAD exomes 0.00695 and 0.00820; 1000 Genomes Project 0.01977; ESP Exome Variant Server 0.02314; ExAC 0.00873; gnomAD 0.02097 and 0.01962; TOPMed 0.02277; 1000 Genomes Project 30x 0.02139.

Submissions (4):

Women's Health and Genetics/Laboratory Corporation of America, LabCorp
Classification: Benign. Last evaluated: 2026-05-09. Review status: criteria provided, single submitter. Criteria: LabCorp Variant Classification Summary - May 2015. Collection method: clinical testing. Allele origin: germline.

Labcorp Genetics (formerly Invitae), Labcorp
Classification: Benign. Last evaluated: 2026-01-21. Review status: criteria provided, single submitter. Criteria: Invitae Variant Classification Sherloc (09022015). Collection method: clinical testing. Allele origin: germline.

Illumina Laboratory Services, Illumina
Classification: Likely benign for Growth hormone deficiency. Last evaluated: 2018-01-13. Review status: criteria provided, single submitter. Criteria: ICSL Variant Classification Criteria 13 December 2019. Collection method: clinical testing. Allele origin: germline.
Comment: This variant was observed in the ICSL laboratory as part of a predisposition screen in an ostensibly healthy population. It had not been previously curated by ICSL or reported in the Human Gene Mutation Database (HGMD: prior to June 1st, 2018), and was therefore a candidate for classification through an automated scoring system. Utilizing variant allele frequency, disease prevalence and penetrance estimates, and inheritance mode, an automated score was calculated to assess if this variant is too frequent to cause the disease. Based on the score and internal cut-off values, a variant classified as likely benign is not then subjected to further curation. The score for this variant resulted in a classification of likely benign for this disease.

Breakthrough Genomics
Classification: Likely benign. Review status: criteria provided, single submitter. Criteria: ACMG Guidelines, 2015. Collection method: not provided. Allele origin: germline. Inheritance: Autosomal recessive inheritance. Affected: yes.

NM_000515.5(GH1):c.447G>A (p.Thr149=)

Genes: GH-LCR (growth hormone locus control region; plus strand), GH1 (growth hormone 1; minus strand). Cytogenetic location: 17q23.3.
Variant type: single nucleotide variant.
Coding change: c.447G>A on transcript NM_000515.5 (MANE Select); coding-DNA position 447, G replaced by A.
Protein change: p.Thr149=; no amino-acid change (threonine 149 retained).
Molecular consequence: synonymous variant.
Genome position (GRCh38, 1-based): chr17:63,917,769, C>T on the plus strand (G>A on the coding strand, the complement: GH1 is on the minus strand). VCF-style: chr17-63917769-C-T. GRCh37 (hg19) VCF-style: chr17-61995129-C-T.
Other names: c.402G>A, p.Thr134= (NM_022559.4); c.327G>A, p.Thr109= (NM_022560.4).
Identifiers: ClinVar variation 701921 (VCV000701921.15), dbSNP rs41295043, ClinGen allele CA8708188.